The following is an entry in ClinVar:

ClinVar aggregate classification (germline): Pathogenic/Likely pathogenic. Review status: criteria provided, multiple submitters, no conflicts (2 of 4 stars). 4 submissions from 4 submitters: Pathogenic (1); Likely pathogenic (3). Last evaluated 2026-03-26.

Conditions:
Neuronal ceroid lipofuscinosis. Also called: Neuronal Ceroid Lipofuscinoses. Identifiers: Orphanet 216, Orphanet 79263, MedGen C0027877, MONDO:0016295. Disease mechanism: loss of function.
Neuronal ceroid lipofuscinosis 8 (CLN8). Also called: CLN8-Related Neuronal Ceroid-Lipofuscinosis. Identifiers: Orphanet 168491, Orphanet 228354, Orphanet 79264, MedGen C1838570, MONDO:0010830, OMIM 600143.

Allele frequency attached by ClinVar (database versions not stated): TOPMed 0.00001; ExAC 0.00002; gnomAD exomes 0.00002.
gnomAD v4.1: 17 of 1,613,724 alleles (0.0011%); highest among the groups gnomAD compares: African/African-American, 0.0013%; no homozygotes.

Submissions (4):

Women's Health and Genetics/Laboratory Corporation of America, LabCorp
Classification: Pathogenic for Neuronal ceroid lipofuscinosis 8. Last evaluated: 2026-03-26. Review status: criteria provided, single submitter. Criteria: LabCorp Variant Classification Summary - May 2015. Collection method: clinical testing. Allele origin: germline.
Comment: Variant summary: CLN8 c.208C>T (p.Arg70Cys) results in a non-conservative amino acid change in the encoded protein sequence. Algorithms developed to predict the effect of missense changes on protein structure and function all suggest that this variant is likely to be disruptive. The variant allele was found at a frequency of 2e-05 in 251380 control chromosomes. c.208C>T has been observed in the homozygous or presumed compound heterozygous state in multiple individuals affected with Neuronal ceroid lipofuscinosis 8 (example, Panjeshahi_2023, Thuppanattumadam_2025, Santos_2024, external databases). These data indicate that the variant is very likely to be associated with disease. A different variant affecting the same codon has been classified as likely pathogenic/pathogenic by our lab (c.209G>A, p.Arg70His), supporting the critical relevance of codon 70 to CLN8 protein function. To our knowledge, no experimental evidence demonstrating an impact on protein function has been reported. The following publications have been ascertained in the context of this evaluation (PMID: 37074398, 39675099, 38229148, 38857616, 31069529). ClinVar contains an entry for this variant (Variation ID: 242453). Based on the evidence outlined above, the variant was classified as pathogenic.

Labcorp Genetics (formerly Invitae), Labcorp
Classification: Likely pathogenic for Neuronal ceroid lipofuscinosis. Last evaluated: 2025-07-16. Review status: criteria provided, single submitter. Criteria: Invitae Variant Classification Sherloc (09022015). Collection method: clinical testing. Allele origin: germline.
Comment: This sequence change replaces arginine, which is basic and polar, with cysteine, which is neutral and slightly polar, at codon 70 of the CLN8 protein (p.Arg70Cys). This variant is present in population databases (rs765097897, gnomAD 0.007%). This missense change has been observed in individual(s) with clinical features of neuronal ceroid lipofuscinosis (PMID: 31069529, 37074398). ClinVar contains an entry for this variant (Variation ID: 242453). Invitae Evidence Modeling of protein sequence and biophysical properties (such as structural, functional, and spatial information, amino acid conservation, physicochemical variation, residue mobility, and thermodynamic stability) indicates that this missense variant is expected to disrupt CLN8 protein function with a positive predictive value of 95%. This variant disrupts the p.Arg70 amino acid residue in CLN8. Other variant(s) that disrupt this residue have been determined to be pathogenic (PMID: 21990111, 31130284; internal data). This suggests that this residue is clinically significant, and that variants that disrupt this residue are likely to be disease-causing. In summary, the currently available evidence indicates that the variant is pathogenic, but additional data are needed to prove that conclusively. Therefore, this variant has been classified as Likely Pathogenic.

Natera, Inc.
Classification: Likely pathogenic for Neuronal ceroid lipofuscinosis 8. Last evaluated: 2024-10-22. Review status: criteria provided, single submitter. Criteria: Natera Variant Classification Schema (03/2026). Collection method: clinical testing. Allele origin: germline.
Comment: The c.208C>T variant in CLN8 is a missense variant predicted to cause substitution of arginine to cysteine at amino acid 70. This variant is rare in the general population with a frequency below the threshold expected for the associated phenotype(s). This variant has been observed in one or more individuals affected with the associated recessive disease, as either homozygous or compound heterozygous with a second variant (PMID: 37074398, 31069529). A different variant at the same position has been determined to be Pathogenic or Likely Pathogenic. Computational prediction algorithms indicate this variant is likely to affect gene or protein function. Given the available evidence, this variant is classified as Likely Pathogenic.

Mendelics
Classification: Likely pathogenic for Neuronal ceroid lipofuscinosis 1. Last evaluated: 2019-05-28. Review status: criteria provided, single submitter. Criteria: Mendelics Assertion Criteria 2017. Collection method: clinical testing. Allele origin: unknown.

Literature cited by the submitters: PubMed 31069529 (cited by 3 submitters); PubMed 37074398 (cited by 3 submitters); PubMed 39675099 (cited by Women's Health and Genetics/Laboratory Corporation of America, LabCorp); PubMed 38229148 (cited by Women's Health and Genetics/Laboratory Corporation of America, LabCorp); PubMed 38857616 (cited by Women's Health and Genetics/Laboratory Corporation of America, LabCorp); PubMed 21990111 (cited by Labcorp Genetics (formerly Invitae), Labcorp); PubMed 31130284 (cited by Labcorp Genetics (formerly Invitae), Labcorp).

NM_018941.4(CLN8):c.208C>T (p.Arg70Cys)

Gene: CLN8 (CLN8 transmembrane ER and ERGIC protein; plus strand). Cytogenetic location: 8p23.3.
Variant type: single nucleotide variant.
Coding change: c.208C>T on transcript NM_018941.4 (MANE Select); coding-DNA position 208, C replaced by T.
Protein change: p.Arg70Cys; replaces arginine 70 with cysteine.
Molecular consequence: missense variant.
Genome position (GRCh38, 1-based): chr8:1,771,262, C>T. VCF-style: chr8-1771262-C-T. GRCh37 (hg19) VCF-style: chr8-1719428-C-T.
Other names: c.208C>T (NM_018941.3); short protein forms R70C.
Identifiers: ClinVar variation 242453 (VCV000242453.12), dbSNP rs765097897, ClinGen allele CA056214.
Genomic context (GRCh38, chr8:1,771,262, plus strand): 5'-AATGCCACTTACCGTTCTTTGGTGGCCAGAGAGAAGGTCTTCTGGGACCTGGCGGCCACG[C>T]GTGCAGTCTTTGGTGTTCAGAGCACAGCCGCAGGCCTGTGGGCTCTGCTGGGGGACCCTG-3'
Protein context (NP_061764.2, residues 60-80): EKVFWDLAAT[Arg70Cys]AVFGVQSTAA